The following is an entry in ClinVar:

NM_001104631.2(PDE4D):c.2427G>A (p.Thr809=)

Gene: PDE4D (phosphodiesterase 4D; minus strand). Cytogenetic location: 5q11.2.
Variant type: single nucleotide variant.
Coding change: c.2427G>A on transcript NM_001104631.2 (MANE Select); coding-DNA position 2427, G replaced by A.
Protein change: p.Thr809=; no amino-acid change (threonine 809 retained).
Molecular consequence: synonymous variant.
Genome position (GRCh38, 1-based): chr5:58,974,667, C>T on the plus strand (G>A on the coding strand, the complement: PDE4D is on the minus strand). VCF-style: chr5-58974667-C-T. GRCh37 (hg19) VCF-style: chr5-58270494-C-T.
Other names: c.2244G>A, p.Thr748= (NM_001165899.2, NM_001364599.1); c.2235G>A, p.Thr745= (NM_001197218.2); c.2061G>A, p.Thr687= (NM_001197219.2); c.2037G>A, p.Thr679= (NM_001197220.2); c.1521G>A, p.Thr507= (NM_001197221.2, NM_001364603.1); c.1755G>A, p.Thr585= (NM_001197222.2); c.1554G>A, p.Thr518= (NM_001197223.2); c.2214G>A, p.Thr738= (NM_001349241.2); and 3 more.
Identifiers: ClinVar variation 353984 (VCV000353984.16), dbSNP rs7736186, ClinGen allele CA3275884.

ClinVar aggregate classification (germline): Benign/Likely benign. Review status: criteria provided, multiple submitters, no conflicts (2 of 4 stars). 4 submissions from 4 submitters: Benign (2); Likely benign (2). Last evaluated 2026-02-01.

Conditions:
Acrodysostosis 2 with or without hormone resistance. Also called: ACRODYSOSTOSIS 2 WITH HORMONE RESISTANCE; ACRODYSOSTOSIS 2 WITHOUT HORMONE RESISTANCE. Identifiers: Orphanet 280651, MedGen C3553250, MONDO:0013822, OMIM 614613.

Allele frequency attached by ClinVar (database versions not stated): 1000 Genomes Project 30x 0.00750; 1000 Genomes Project 0.00779; gnomAD 0.01497 and 0.01589; ExAC 0.01509; gnomAD exomes 0.01539 and 0.02320; TOPMed 0.01734; ESP Exome Variant Server 0.01993.
gnomAD v4.1: 34,669 of 1,554,884 alleles (2.2%); highest among the groups gnomAD compares: Non-Finnish European, 2.7%; 451 homozygotes.

Submissions (4):

Labcorp Genetics (formerly Invitae), Labcorp
Classification: Benign. Last evaluated: 2026-02-01. Review status: criteria provided, single submitter. Criteria: Invitae Variant Classification Sherloc (09022015). Collection method: clinical testing. Allele origin: germline.

GeneDx
Classification: Likely benign. Last evaluated: 2018-07-09. Review status: criteria provided, single submitter. Criteria: GeneDx Variant Classification Process June 2021. Collection method: clinical testing. Allele origin: germline. Affected: yes.

Illumina Laboratory Services, Illumina
Classification: Benign for Acrodysostosis 2 with or without hormone resistance. Last evaluated: 2018-01-13. Review status: criteria provided, single submitter. Criteria: ICSL Variant Classification Criteria 13 December 2019. Collection method: clinical testing. Allele origin: germline.
Comment: This variant was observed in the ICSL laboratory as part of a predisposition screen in an ostensibly healthy population. It had not been previously curated by ICSL or reported in the Human Gene Mutation Database (HGMD: prior to June 1st, 2018), and was therefore a candidate for classification through an automated scoring system. Utilizing variant allele frequency, disease prevalence and penetrance estimates, and inheritance mode, an automated score was calculated to assess if this variant is too frequent to cause the disease. Based on the score and internal cut-off values, a variant classified as benign is not then subjected to further curation. The score for this variant resulted in a classification of benign for this disease.

Breakthrough Genomics
Classification: Likely benign. Review status: criteria provided, single submitter. Criteria: ACMG Guidelines, 2015. Collection method: not provided. Allele origin: germline. Inheritance: Autosomal dominant inheritance. Affected: yes.